The following is an entry in ClinVar:

NM_201384.3(PLEC):c.3746G>A (p.Arg1249Gln)

Gene: PLEC (plectin; minus strand). Cytogenetic location: 8q24.3.
Variant type: single nucleotide variant.
Coding change: c.3746G>A on transcript NM_201384.3 (MANE Select); coding-DNA position 3746, G replaced by A.
Protein change: p.Arg1249Gln; replaces arginine 1249 with glutamine.
Molecular consequence: missense variant.
Genome position (GRCh38, 1-based): chr8:143,927,420, C>T on the plus strand (G>A on the coding strand, the complement: PLEC is on the minus strand). VCF-style: chr8-143927420-C-T. GRCh37 (hg19) VCF-style: chr8-145001588-C-T.
Other names: p.Arg1235Gln; c.3827G>A, p.Arg1276Gln (NM_000445.5); c.3704G>A, p.Arg1235Gln (NM_201378.4); c.3680G>A, p.Arg1227Gln (NM_201379.3); c.4157G>A, p.Arg1386Gln (NM_201380.4); c.3650G>A, p.Arg1217Gln (NM_201381.3); c.3746G>A, p.Arg1249Gln (NM_201382.4); c.3758G>A, p.Arg1253Gln (NM_201383.3); short protein forms R1217Q, R1227Q, R1235Q, R1249Q, R1253Q, R1276Q, R1386Q.
Identifiers: ClinVar variation 93046 (VCV000093046.26), dbSNP rs11136334, ClinGen allele CA146353.
Genomic context (GRCh38, chr8:143,927,420, plus strand): 5'-GTGGCCGCAGGGCACGCCCAGCCGCCCCGTCCCCACCGACCCAAGCCCACCTGCTCCTGC[C>T]GCAGCTGCTCCCGCACAGCCTGGCTGTCGGCCAGCGGCATGGCCTGGATCTGCTCCTGCC-3'
Protein context (NP_958786.1, residues 1239-1259): ADSQAVREQL[Arg1249Gln]QEQALLEEIE

ClinVar aggregate classification (germline): Benign. Review status: criteria provided, multiple submitters, no conflicts (2 of 4 stars). 14 submissions from 10 submitters: Benign (13). 1 of the submissions does not count toward it. Last evaluated 2026-02-04.

Conditions:
Epidermolysis bullosa simplex with nail dystrophy (EBS5D). Identifiers: MedGen C4225309, MONDO:0014661, OMIM 616487.
Epidermolysis bullosa simplex 5C, with pyloric atresia (EBS5C). Also called: PLEC-Related Epidermolysis Bullosa with Pyloric Atresia; Epidermolysis bullosa simplex with pyloric atresia; PLEC1-Related Epidermolysis Bullosa with Pyloric Atresia. Identifiers: Orphanet 158684, MedGen C2677349, MONDO:0012807, OMIM 612138.
Epidermolysis bullosa simplex 5B, with muscular dystrophy (EBS5B). Also called: EPIDERMOLYSIS BULLOSA SIMPLEX AND LIMB-GIRDLE MUSCULAR DYSTROPHY; Epidermolysis bullosa simplex with muscular dystrophy. Identifiers: Orphanet 257, MedGen C2931072, MONDO:0009181, OMIM 226670.
Autosomal recessive limb-girdle muscular dystrophy type 2Q (LGMDR17). Also called: MUSCULAR DYSTROPHY, LIMB-GIRDLE, AUTOSOMAL RECESSIVE 17. Identifiers: Orphanet 254361, MedGen C3150989, MONDO:0013390, OMIM 613723.
Epidermolysis bullosa simplex, Ogna type (EBS5A). Also called: Pidermolysis bullosa simplex 5A, Ogna type; EPIDERMOLYSIS BULLOSA SIMPLEX 5A, OGNA TYPE. Identifiers: Orphanet 79401, MedGen C0432317, MONDO:0007555, OMIM 131950.

Allele frequency attached by ClinVar (database versions not stated): 1000 Genomes Project 0.23083; gnomAD exomes 0.34303 and 0.39712; TOPMed 0.28136; gnomAD 0.29922 and 0.30097; ESP Exome Variant Server 0.30752; ExAC 0.34895; 1000 Genomes Project 30x 0.22876.
gnomAD v4.1: 621,217 of 1,602,796 alleles (39%); highest among the groups gnomAD compares: Non-Finnish European, 42%; 126,919 homozygotes.

Submissions (14):

Labcorp Genetics (formerly Invitae), Labcorp
Classification: Benign for Autosomal recessive limb-girdle muscular dystrophy type 2Q; Epidermolysis bullosa simplex, Ogna type; Epidermolysis bullosa simplex with nail dystrophy; Epidermolysis bullosa simplex 5C, with pyloric atresia; Epidermolysis bullosa simplex 5B, with muscular dystrophy. Last evaluated: 2026-02-04. Review status: criteria provided, single submitter. Criteria: Invitae Variant Classification Sherloc (09022015). Collection method: clinical testing. Allele origin: germline.

Blueprint Genetics
Classification: Benign. Last evaluated: 2024-11-27. Review status: criteria provided, single submitter. Criteria: ACMG Guidelines, 2015. Collection method: clinical testing. Allele origin: germline.

Genome-Nilou Lab
Classification: Benign for Epidermolysis bullosa simplex with nail dystrophy. Last evaluated: 2021-10-25. Review status: criteria provided, single submitter. Criteria: ACMG Guidelines, 2015. Collection method: clinical testing. Allele origin: germline. Affected: no.

Genome-Nilou Lab
Classification: Benign for Epidermolysis bullosa simplex, Ogna type. Last evaluated: 2021-10-25. Review status: criteria provided, single submitter. Criteria: ACMG Guidelines, 2015. Collection method: clinical testing. Allele origin: germline. Affected: no.

Genome-Nilou Lab
Classification: Benign for Epidermolysis bullosa simplex 5B, with muscular dystrophy. Last evaluated: 2021-10-25. Review status: criteria provided, single submitter. Criteria: ACMG Guidelines, 2015. Collection method: clinical testing. Allele origin: germline. Affected: no.

Genome-Nilou Lab
Classification: Benign for Epidermolysis bullosa simplex 5C, with pyloric atresia. Last evaluated: 2021-10-25. Review status: criteria provided, single submitter. Criteria: ACMG Guidelines, 2015. Collection method: clinical testing. Allele origin: germline. Affected: no.

Genome-Nilou Lab
Classification: Benign for Autosomal recessive limb-girdle muscular dystrophy type 2Q. Last evaluated: 2021-10-25. Review status: criteria provided, single submitter. Criteria: ACMG Guidelines, 2015. Collection method: clinical testing. Allele origin: germline. Affected: no.

Mayo Clinic Laboratories, Mayo Clinic
Classification: Benign. Last evaluated: 2017-07-24. Review status: criteria provided, single submitter. Criteria: ACMG Guidelines, 2015. Collection method: clinical testing. Allele origin: germline. Observed: 784 variant alleles.

GeneDx
Classification: Benign. Last evaluated: 2015-03-03. Review status: criteria provided, single submitter. Criteria: GeneDx Variant Classification Process June 2021. Collection method: clinical testing. Allele origin: germline. Affected: yes.

Laboratory for Molecular Medicine, Mass General Brigham Personalized Medicine
Classification: Benign. Last evaluated: 2015-01-13. Review status: criteria provided, single submitter. Criteria: LMM Criteria. Collection method: clinical testing. Allele origin: germline. Observed: 9 variant alleles.
Comment: p.Arg1386Gln in exon 27 of PLEC: This variant is not expected to have clinical s ignificance because it has been identified in 41.1% (3413/8298) of European Amer ican chromosomes from a broad population by the NHLBI Exome Sequencing Project (dbSNP rs11136334).

Eurofins Ntd Llc (ga)
Classification: Benign. Last evaluated: 2013-05-08. Review status: criteria provided, single submitter. Criteria: EGL Classification Definitions 2015. Collection method: clinical testing. Allele origin: germline. Observed: 6 variant alleles, 3 heterozygotes, 3 homozygotes.

Breakthrough Genomics
Classification: Benign. Review status: criteria provided, single submitter. Criteria: ACMG Guidelines, 2015. Collection method: not provided. Allele origin: germline. Inheritance: Autosomal recessive inheritance. Affected: yes.

PreventionGenetics, part of Exact Sciences
Classification: Benign. Review status: criteria provided, single submitter. Criteria: ACMG Guidelines, 2015. Collection method: clinical testing. Allele origin: germline.

Genetic Services Laboratory, University of Chicago
Classification: Likely benign for AllHighlyPenetrant. Review status: no assertion criteria provided. Collection method: clinical testing. Allele origin: germline. Inheritance: Autosomal recessive inheritance. Not counted in ClinVar's aggregate classification.
Comment: Likely benign based on allele frequency in 1000 Genomes Project or ESP global frequency and its presence in a patient with a rare or unrelated disease phenotype. NOT Sanger confirmed.